The following is an entry in ClinVar:

ClinVar aggregate classification (germline): Uncertain significance (1 of 4 stars; one submission).

Conditions:
Cardiovascular phenotype. Identifiers: MedGen CN230736.

gnomAD v4.1: 1 of 1,613,936 alleles (0.000062%); highest among the groups gnomAD compares: Non-Finnish European, 0.000085%; no homozygotes.

Submission:

Ambry Genetics
Classification: Uncertain significance for Cardiovascular phenotype. Last evaluated: 2023-10-24. Review status: criteria provided, single submitter. Criteria: Ambry Variant Classification Scheme 2023. Collection method: clinical testing. Allele origin: germline.
Comment: The p.T1518S variant (also known as c.4553C>G), located in coding exon 8 of the ALMS1 gene, results from a C to G substitution at nucleotide position 4553. The threonine at codon 1518 is replaced by serine, an amino acid with similar properties. This amino acid position is not well conserved in available vertebrate species. In addition, this alteration is predicted to be tolerated by in silico analysis. Since supporting evidence is limited at this time, the clinical significance of this alteration remains unclear.

NM_001378454.1(ALMS1):c.4550C>G (p.Thr1517Ser)

Gene: ALMS1 (ALMS1 centrosome and basal body associated protein; plus strand). Cytogenetic location: 2p13.1.
Variant type: single nucleotide variant.
Coding change: c.4550C>G on transcript NM_001378454.1 (MANE Select); coding-DNA position 4550, C replaced by G.
Protein change: p.Thr1517Ser; replaces threonine 1517 with serine.
Molecular consequence: missense variant.
Genome position (GRCh38, 1-based): chr2:73,451,077, C>G. VCF-style: chr2-73451077-C-G. GRCh37 (hg19) VCF-style: chr2-73678204-C-G.
Other names: c.4553C>G, p.Thr1518Ser (NM_015120.4); short protein forms T1517S, T1518S.
Identifiers: ClinVar variation 3226614 (VCV003226614.1), dbSNP rs2466102026, ClinGen allele CA347278769.
Genomic context (GRCh38, chr2:73,451,077, plus strand): 5'-AAGAGTCTCTGAAAGTTTCAGTTGCTCCTGGACCAGTTGGCCAGACAACTGGCGCACCAA[C>G]TATAACCTCTCCTTCCTACTCACAACATAGAGCAAAGTCTGGCAGTTTCTACCAACTGGC-3'
Protein context (NP_001365383.1, residues 1507-1527): GPVGQTTGAP[Thr1517Ser]ITSPSYSQHR